The following is an entry in ClinVar:

ClinVar aggregate classification (germline): Benign/Likely benign. Review status: criteria provided, multiple submitters, no conflicts (2 of 4 stars). 2 submissions from 2 submitters: Benign (1); Likely benign (1). Last evaluated 2024-10-28.

Allele frequency attached by ClinVar (database versions not stated): TOPMed 0.00009; ESP Exome Variant Server 0.00016; 1000 Genomes Project 30x 0.00031; 1000 Genomes Project 0.00040; gnomAD exomes 0.00058 and 0.00145; ExAC 0.00128; gnomAD 0.00130 and 0.00138.
gnomAD v4.1: 1,030 of 1,612,460 alleles (0.064%); highest among the groups gnomAD compares: Non-Finnish European, 0.016%; 4 homozygotes.

Submissions (2):

Blueprint Genetics
Classification: Likely benign. Last evaluated: 2024-10-28. Review status: criteria provided, single submitter. Criteria: ACMG Guidelines, 2015. Collection method: clinical testing. Allele origin: germline.

GeneDx
Classification: Benign. Last evaluated: 2014-01-06. Review status: criteria provided, single submitter. Criteria: GeneDx Variant Classification (06012015). Collection method: clinical testing. Allele origin: germline. Affected: yes.
Comment: This variant is considered likely benign or benign based on one or more of the following criteria: it is a conservative change, it occurs at a poorly conserved position in the protein, it is predicted to be benign by multiple in silico algorithms, and/or has population frequency not consistent with disease.

NM_000256.3(MYBPC3):c.1457+20G>T

Gene: MYBPC3 (myosin binding protein C3; minus strand). Cytogenetic location: 11p11.2.
Variant type: single nucleotide variant.
Coding change: c.1457+20G>T on transcript NM_000256.3 (MANE Select); 20 bases into the intron after coding-DNA position 1457, G replaced by T.
Genome position (GRCh38, 1-based): chr11:47,342,810, C>A on the plus strand (G>T on the coding strand, the complement: MYBPC3 is on the minus strand). VCF-style: chr11-47342810-C-A. GRCh37 (hg19) VCF-style: chr11-47364361-C-A.
Other names: c.1457+20G>T (LRG_386t1).
Identifiers: ClinVar variation 138316 (VCV000138316.2), dbSNP rs377491959, ClinGen allele CA010339.
Genomic context (GRCh38, chr11:47,342,810, plus strand): 5'-CGGGTGGGTGGGTGGCAAGTGCTGTGGCCTCTTCTGGGCAGATGCCCCCAACACCCATGC[C>A]CCGTGCTTCTGGAACTCACCATTTGACTTGCGCCCCCTCCTCCGATACTTCACACTCAAA-3'